The following is an entry in ClinVar:

ClinVar aggregate classification (germline): Uncertain significance (1 of 4 stars; one submission).

Allele frequency attached by ClinVar (database versions not stated): gnomAD 0.00001; TOPMed 0.00003.
gnomAD v4.1: 40 of 1,613,798 alleles (0.0025%); highest among the groups gnomAD compares: Middle Eastern, 0.033%; no homozygotes.

Submission:

Labcorp Genetics (formerly Invitae), Labcorp
Classification: Uncertain significance. Last evaluated: 2025-09-02. Review status: criteria provided, single submitter. Criteria: Invitae Variant Classification Sherloc (09022015). Collection method: clinical testing. Allele origin: germline.
Comment: This sequence change replaces arginine, which is basic and polar, with cysteine, which is neutral and slightly polar, at codon 644 of the ADCY5 protein (p.Arg644Cys). The frequency data for this variant in the population databases is considered unreliable, as metrics indicate poor data quality at this position in the gnomAD database. This variant has not been reported in the literature in individuals affected with ADCY5-related conditions. ClinVar contains an entry for this variant (Variation ID: 3006775). Invitae Evidence Modeling of protein sequence and biophysical properties (such as structural, functional, and spatial information, amino acid conservation, physicochemical variation, residue mobility, and thermodynamic stability) has been performed for this missense variant. However, the output from this modeling did not meet the statistical confidence thresholds required to predict the impact of this variant on ADCY5 protein function. In summary, the available evidence is currently insufficient to determine the role of this variant in disease. Therefore, it has been classified as a Variant of Uncertain Significance.

NM_183357.3(ADCY5):c.1930C>T (p.Arg644Cys)

Gene: ADCY5 (adenylate cyclase 5; minus strand). Cytogenetic location: 3q21.1.
Variant type: single nucleotide variant.
Coding change: c.1930C>T on transcript NM_183357.3 (MANE Select); coding-DNA position 1930, C replaced by T.
Protein change: p.Arg644Cys; replaces arginine 644 with cysteine.
Molecular consequence: missense variant.
Genome position (GRCh38, 1-based): chr3:123,327,635, G>A on the plus strand (C>T on the coding strand, the complement: ADCY5 is on the minus strand). VCF-style: chr3-123327635-G-A. GRCh37 (hg19) VCF-style: chr3-123046482-G-A.
Other names: c.880C>T, p.Arg294Cys (NM_001199642.1); c.1930C>T, p.Arg644Cys (NM_001378259.1); short protein forms R294C, R644C.
Identifiers: ClinVar variation 3006775 (VCV003006775.3), dbSNP rs751275940, ClinGen allele CA2577330.